The following is an entry in ClinVar:

ClinVar aggregate classification (germline): Uncertain significance. Review status: criteria provided, multiple submitters, no conflicts (2 of 4 stars). 3 submissions from 3 submitters: Uncertain significance (3). Last evaluated 2025-02-26.

Conditions:
Charcot-Marie-Tooth disease type 2. Also called: Charcot-Marie-Tooth type 2. Identifiers: Orphanet 64746, MedGen C0270914, MONDO:0018993.
Charcot-Marie-Tooth disease type 2A1. Also called: CHARCOT-MARIE-TOOTH DISEASE, AXONAL, TYPE 2A1; CHARCOT-MARIE-TOOTH DISEASE, AXONAL, AUTOSOMAL DOMINANT, TYPE 2A1; CHARCOT-MARIE-TOOTH DISEASE, NEURONAL, TYPE 2A1; CHARCOT-MARIE-TOOTH NEUROPATHY, TYPE 2A1; HEREDITARY MOTOR AND SENSORY NEUROPATHY IIA1. Identifiers: Orphanet 99946, MedGen C1861678, MONDO:0007308, OMIM 118210.
Neuroblastoma, susceptibility to, 1. Identifiers: MedGen C2749485, MONDO:0009741, OMIM 256700.

Allele frequency attached by ClinVar (database versions not stated): TOPMed below 0.00001; ExAC 0.00001; gnomAD exomes 0.00002.
gnomAD v4.1: 16 of 1,614,156 alleles (0.00099%); highest among the groups gnomAD compares: South Asian, 0.0055%; no homozygotes.

Submissions (3):

Labcorp Genetics (formerly Invitae), Labcorp
Classification: Uncertain significance for Charcot-Marie-Tooth disease type 2. Last evaluated: 2025-02-26. Review status: criteria provided, single submitter. Criteria: Invitae Variant Classification Sherloc (09022015). Collection method: clinical testing. Allele origin: germline.
Comment: This sequence change replaces arginine, which is basic and polar, with cysteine, which is neutral and slightly polar, at codon 1469 of the KIF1B protein (p.Arg1469Cys). This variant is present in population databases (rs774445070, gnomAD 0.009%). This missense change has been observed in individual(s) with clinical features of a neuromuscular condition (PMID: 31130284). ClinVar contains an entry for this variant (Variation ID: 1386186). An algorithm developed to predict the effect of missense changes on protein structure and function (PolyPhen-2) suggests that this variant is likely to be disruptive. In summary, the available evidence is currently insufficient to determine the role of this variant in disease. Therefore, it has been classified as a Variant of Uncertain Significance.

Fulgent Genetics
Classification: Uncertain significance for Charcot-Marie-Tooth disease type 2A1; Neuroblastoma, susceptibility to, 1. Last evaluated: 2024-04-28. Review status: criteria provided, single submitter. Criteria: ACMG Guidelines, 2015. Collection method: clinical testing. Allele origin: germline.

Ambry Genetics
Classification: Uncertain significance. Last evaluated: 2023-12-15. Review status: criteria provided, single submitter. Criteria: Ambry Variant Classification Scheme 2023. Collection method: clinical testing. Allele origin: germline.
Comment: The p.R1469C variant (also known as c.4405C>T), located in coding exon 40 of the KIF1B gene, results from a C to T substitution at nucleotide position 4405. The arginine at codon 1469 is replaced by cysteine, an amino acid with highly dissimilar properties. This amino acid position is well conserved in available vertebrate species. In addition, this alteration is predicted to be deleterious by in silico analysis. Since supporting evidence is limited at this time, the clinical significance of this alteration remains unclear.

Literature cited by the submitters: PubMed 31130284 (cited by Labcorp Genetics (formerly Invitae), Labcorp).

NM_001365951.3(KIF1B):c.4543C>T (p.Arg1515Cys)

Gene: KIF1B (kinesin family member 1B; plus strand). Cytogenetic location: 1p36.22.
Variant type: single nucleotide variant.
Coding change: c.4543C>T on transcript NM_001365951.3 (MANE Select); coding-DNA position 4543, C replaced by T.
Protein change: p.Arg1515Cys; replaces arginine 1515 with cysteine.
Molecular consequence: missense variant.
Genome position (GRCh38, 1-based): chr1:10,365,439, C>T. VCF-style: chr1-10365439-C-T. GRCh37 (hg19) VCF-style: chr1-10425497-C-T.
Other names: c.4543C>T, p.Arg1515Cys (NM_001365952.1); c.4405C>T, p.Arg1469Cys (NM_015074.3); short protein forms R1515C, R1469C.
Identifiers: ClinVar variation 1386186 (VCV001386186.11), dbSNP rs774445070, ClinGen allele CA582120.
Genomic context (GRCh38, chr1:10,365,439, plus strand): 5'-TTGCTATAGCAGTAGTATTGATCTTCTCAGGTGGAAAAAACCCGCCACTTTTTGCTGCTG[C>T]GTGAGAGACTTGGTGACAGCATCCCCAAATCCCTGAGCGACTCGTTATCCCCCAGCCTCA-3'
Protein context (NP_001352880.1, residues 1505-1525): VEKTRHFLLL[Arg1515Cys]ERLGDSIPKS